The following is an entry in ClinVar:

NM_001378454.1(ALMS1):c.12113A>G (p.Gln4038Arg)

Genes: ALMS1 (ALMS1 centrosome and basal body associated protein; plus strand), LOC126806252 (BRD4-independent group 4 enhancer GRCh37_chr2:73828496-73829695; plus strand). Cytogenetic location: 2p13.1.
Variant type: single nucleotide variant.
Coding change: c.12113A>G on transcript NM_001378454.1 (MANE Select); coding-DNA position 12113, A replaced by G.
Protein change: p.Gln4038Arg; replaces glutamine 4038 with arginine.
Molecular consequence: missense variant.
Genome position (GRCh38, 1-based): chr2:73,601,435, A>G. VCF-style: chr2-73601435-A-G. GRCh37 (hg19) VCF-style: chr2-73828562-A-G.
Other names: c.12116A>G, p.Gln4039Arg (NM_015120.4); short protein forms Q4039R, Q4038R.
Identifiers: ClinVar variation 391548 (VCV000391548.5), dbSNP rs1057524132, ClinGen allele CA16604395.
Genomic context (GRCh38, chr2:73,601,435, plus strand): 5'-CAGGCCCAGGCAGAGAGGCTGGCAGAGACCTACTGAGGCCATTTGTGAGAGCAACCCTTC[A>G]GGTGCAGTGACGTTGACTTAACTTTAATGCTACGTGTAGGGAGAAGAAGGGCAAGGCGCA-3'
Protein context (NP_001365383.1, residues 4028-4048): LLRPFVRATL[Gln4038Arg]ESLQFHRPDF

ClinVar aggregate classification (germline): Uncertain significance. Review status: criteria provided, multiple submitters, no conflicts (2 of 4 stars). 3 submissions from 3 submitters: Uncertain significance (2). 1 of the submissions does not count toward it. Last evaluated 2025-07-08.

Conditions:
Alstrom syndrome (ALMS). Identifiers: Orphanet 64, MedGen C0268425, MONDO:0008763, OMIM 203800.

Allele frequency attached by ClinVar (database versions not stated): gnomAD exomes 0.00001; TOPMed 0.00002.
gnomAD v4.1: 10 of 1,614,072 alleles (0.00062%); highest among the groups gnomAD compares: Non-Finnish European, 0.00085%; no homozygotes.

Submissions (3):

GeneDx
Classification: Uncertain significance. Last evaluated: 2025-07-08. Review status: criteria provided, single submitter. Criteria: GeneDx Variant Classification Process June 2021. Collection method: clinical testing. Allele origin: germline. Affected: yes.
Comment: Not observed at significant frequency in large population cohorts (gnomAD); In silico analysis supports a deleterious effect on splicing; In silico analysis supports that this missense variant has a deleterious effect on protein structure/function; Has not been previously published as pathogenic or benign to our knowledge

Fulgent Genetics
Classification: Uncertain significance for Alstrom syndrome. Last evaluated: 2021-10-19. Review status: criteria provided, single submitter. Criteria: ACMG Guidelines, 2015. Collection method: clinical testing. Allele origin: unknown.

Natera, Inc.
Classification: Uncertain significance for Alstrom syndrome. Last evaluated: 2021-02-01. Review status: no assertion criteria provided. Collection method: clinical testing. Allele origin: germline. Not counted in ClinVar's aggregate classification.